The following is an entry in ClinVar:

ClinVar aggregate classification (germline): Benign/Likely benign. Review status: criteria provided, multiple submitters, no conflicts (2 of 4 stars). 4 submissions from 4 submitters: Benign (1); Likely benign (2). 1 of the submissions does not count toward it. Last evaluated 2026-01-19.

Conditions:
CACNA1H-related disorder.
Hyperaldosteronism, familial, type IV (HALD4). Also called: FH IV; ALDOSTERONISM, PRIMARY, AND HYPERTENSION. Identifiers: Orphanet 642671, MedGen C4310756, MONDO:0014875, OMIM 617027.
Idiopathic generalized epilepsy. Also called: Generalised epilepsy; EIG. Identifiers: MedGen C0270850, MONDO:0005579, OMIM 600669.

Allele frequency attached by ClinVar (database versions not stated): ExAC 0.00026; 1000 Genomes Project 30x 0.00031; 1000 Genomes Project 0.00040; gnomAD 0.00099 and 0.00107; ESP Exome Variant Server 0.00119; TOPMed 0.00137; gnomAD exomes 0.00012 and 0.00025.

Submissions (4):

Labcorp Genetics (formerly Invitae), Labcorp
Classification: Likely benign for Idiopathic generalized epilepsy; Hyperaldosteronism, familial, type IV. Last evaluated: 2026-01-19. Review status: criteria provided, single submitter. Criteria: Invitae Variant Classification Sherloc (09022015). Collection method: clinical testing. Allele origin: germline.

Blueprint Genetics
Classification: Likely benign. Last evaluated: 2024-11-13. Review status: criteria provided, single submitter. Criteria: ACMG Guidelines, 2015. Collection method: clinical testing. Allele origin: germline.

Athena Diagnostics
Classification: Benign. Last evaluated: 2017-09-07. Review status: criteria provided, single submitter. Criteria: Athena Diagnostics Criteria. Collection method: clinical testing. Allele origin: germline.

PreventionGenetics, part of Exact Sciences
Classification: Likely benign for CACNA1H-related condition. Last evaluated: 2019-07-12. Review status: no assertion criteria provided. Collection method: clinical testing. Allele origin: germline. Not counted in ClinVar's aggregate classification.
Comment: This variant is classified as likely benign based on ACMG/AMP sequence variant interpretation guidelines (Richards et al. 2015 PMID: 25741868, with internal and published modifications).

NM_021098.3(CACNA1H):c.385G>A (p.Gly129Ser)

Gene: CACNA1H (calcium voltage-gated channel subunit alpha1 H; plus strand). Cytogenetic location: 16p13.3.
Variant type: single nucleotide variant.
Coding change: c.385G>A on transcript NM_021098.3 (MANE Select); coding-DNA position 385, G replaced by A.
Protein change: p.Gly129Ser; replaces glycine 129 with serine.
Molecular consequence: missense variant.
Genome position (GRCh38, 1-based): chr16:1,195,057, G>A. VCF-style: chr16-1195057-G-A. GRCh37 (hg19) VCF-style: chr16-1245057-G-A.
Other names: c.385G>A, p.Gly129Ser (NM_001005407.2); short protein forms G129S.
Identifiers: ClinVar variation 460098 (VCV000460098.16), dbSNP rs187596702, ClinGen allele CA7799382.
Genomic context (GRCh38, chr16:1,195,057, plus strand): 5'-GTAATCATGCTCAACTGCGTGACCCTGGGCATGTTCCGGCCCTGTGAGGACGTTGAGTGC[G>A]GCTCCGAGCGCTGCAACATCCTGGAGGTGAGGGGCGTGGGTCGGGGTGGGGAAGGAGCGT-3'
Protein context (NP_066921.2, residues 119-139): MFRPCEDVEC[Gly129Ser]SERCNILEAF